The following is an entry in ClinVar:

NM_001126105.3(SLC7A7):c.-175+3GA[3]

Gene: SLC7A7 (solute carrier family 7 member 7; minus strand). Cytogenetic location: 14q11.2.
Variant type: Microsatellite.
Coding change: c.-175+3GA[3] on transcript NM_001126105.3; three copies in a row of the 2-base unit GA starting at c.-175+3; the reference has four copies in a row; one copy, 2 bases deleted.
Molecular consequence: intron variant.
Genome position (GRCh38, 1-based): chr14:22,815,821-22,815,822, TC deleted on the plus strand (GA on the coding strand, the reverse complement: SLC7A7 is on the minus strand); deleting any 2 consecutive bases within chr14:22,815,821-22,815,828 gives the same sequence; the position shown is the placement nearest the transcript's 3' end. VCF-style (leftmost placement, unchanged base first): chr14-22815820-TTC-T. GRCh37 (hg19) VCF-style: chr14-23285029-TTC-T.
Other names: c.-174-377GA[3] (NM_001126106.4); c.-174-371_-174-370delGA (NM_001126106.2).
Identifiers: ClinVar variation 421763 (VCV000421763.3), dbSNP rs571279493, ClinGen allele CA16619843.

ClinVar aggregate classification (germline): Likely benign (1 of 4 stars; one submission).

Submission:

GeneDx
Classification: Likely benign. Last evaluated: 2016-08-11. Review status: criteria provided, single submitter. Criteria: GeneDx Variant Classification (06012015). Collection method: clinical testing. Allele origin: germline. Affected: yes.
Comment: This variant is considered likely benign or benign based on one or more of the following criteria: it is a conservative change, it occurs at a poorly conserved position in the protein, it is predicted to be benign by multiple in silico algorithms, and/or has population frequency not consistent with disease.